The following is an entry in ClinVar:

NM_006445.4(PRPF8):c.272C>T (p.Ala91Val)

Gene: PRPF8 (pre-mRNA processing factor 8; minus strand). Cytogenetic location: 17p13.3.
Variant type: single nucleotide variant.
Coding change: c.272C>T on transcript NM_006445.4 (MANE Select); coding-DNA position 272, C replaced by T.
Protein change: p.Ala91Val; replaces alanine 91 with valine.
Molecular consequence: missense variant.
Genome position (GRCh38, 1-based): chr17:1,682,291, G>A on the plus strand (C>T on the coding strand, the complement: PRPF8 is on the minus strand). VCF-style: chr17-1682291-G-A. GRCh37 (hg19) VCF-style: chr17-1585585-G-A.
Other names: short protein forms A91V.
Identifiers: ClinVar variation 3766241 (VCV003766241.1).
Genomic context (GRCh38, chr17:1,682,291, plus strand): 5'-TCCCAAGGCATAGGCATGTTCTCCAGGAGTTTGAGGACTGCGTGGGGCATGTACTTTAGG[G>A]CACTGGCACATTAGAAAAAGAGAAGGCTATCAGAAATGACGAGGTGTTCTGCTACCTGTC-3'
Protein context (NP_006436.3, residues 81-101): FRHDKRVYLG[Ala91Val]LKYMPHAVLK

ClinVar aggregate classification (germline): Uncertain significance (1 of 4 stars; one submission).

Submission:

GeneDx
Classification: Uncertain significance. Last evaluated: 2024-08-27. Review status: criteria provided, single submitter. Criteria: GeneDx Variant Classification Process June 2021. Collection method: clinical testing. Allele origin: germline. Affected: yes.
Comment: Not observed at significant frequency in large population cohorts (gnomAD); In silico analysis supports that this missense variant has a deleterious effect on protein structure/function; Has not been previously published as pathogenic or benign to our knowledge